The following is an entry in ClinVar:

ClinVar aggregate classification (germline): Conflicting classifications of pathogenicity. Review status: criteria provided, conflicting classifications (1 of 4 stars). 10 submissions from 10 submitters: Uncertain significance (5); Likely benign (3). 2 of the submissions do not count toward it. Last evaluated 2026-02-03.

Conditions:
Familial melanoma. Also called: Hereditary melanoma; Hereditary cutaneous melanoma. Identifiers: Orphanet 618, MedGen C1512419, MONDO:0018961.
Hereditary cancer-predisposing syndrome. Also called: Tumor predisposition; Hereditary neoplastic syndrome; Neoplastic Syndromes, Hereditary; Hereditary Cancer Syndrome. Identifiers: Orphanet 140162, MedGen C0027672, MeSH D009386, MONDO:0015356.
Melanoma, cutaneous malignant, susceptibility to, 3. Also called: Cutaneous malignant melanoma 3. Identifiers: Orphanet 618, MedGen C1836892, MONDO:0012183, OMIM 609048.

Allele frequency attached by ClinVar (database versions not stated): gnomAD 0.00001 and 0.00002; TOPMed 0.00001; ExAC 0.00003; gnomAD exomes 0.00005 and 0.00008.
gnomAD v4.1: 124 of 1,614,042 alleles (0.0077%); highest among the groups gnomAD compares: Non-Finnish European, 0.01%; no homozygotes.

Submissions (10):

Labcorp Genetics (formerly Invitae), Labcorp
Classification: Uncertain significance for Familial melanoma. Last evaluated: 2026-02-03. Review status: criteria provided, single submitter. Criteria: Invitae Variant Classification Sherloc (09022015). Collection method: clinical testing. Allele origin: germline.
Comment: This sequence change replaces aspartic acid, which is acidic and polar, with asparagine, which is neutral and polar, at codon 221 of the CDK4 protein (p.Asp221Asn). This variant is present in population databases (rs587778187, gnomAD 0.01%). This variant has not been reported in the literature in individuals affected with CDK4-related conditions. ClinVar contains an entry for this variant (Variation ID: 133876). An algorithm developed to predict the effect of missense changes on protein structure and function (PolyPhen-2) suggests that this variant is likely to be tolerated. In summary, the available evidence is currently insufficient to determine the role of this variant in disease. Therefore, it has been classified as a Variant of Uncertain Significance.

Ambry Genetics
Classification: Likely benign for Hereditary cancer-predisposing syndrome. Last evaluated: 2024-02-29. Review status: criteria provided, single submitter. Criteria: Ambry Variant Classification Scheme 2023. Collection method: clinical testing. Allele origin: germline.

Myriad Genetics, Inc.
Classification: Uncertain significance for Melanoma, cutaneous malignant, susceptibility to, 3. Last evaluated: 2023-03-07. Review status: criteria provided, single submitter. Criteria: Myriad Autosomal Dominant, Autosomal Recessive and X-Linked Classification Criteria (2023). Collection method: clinical testing. Allele origin: unknown.
Comment: This variant is classified as a variant of uncertain significance as there is insufficient evidence to determine its impact on protein function and/or cancer risk.

Women's Health and Genetics/Laboratory Corporation of America, LabCorp
Classification: Likely benign. Last evaluated: 2022-12-23. Review status: criteria provided, single submitter. Criteria: LabCorp Variant Classification Summary - May 2015. Collection method: clinical testing. Allele origin: germline.
Comment: Variant summary: CDK4 c.661G>A (p.Asp221Asn) results in a conservative amino acid change located in the Protein kinase domain (IPR000719) of the encoded protein sequence. Three of five in-silico tools predict a benign effect of the variant on protein function. The variant allele was found at a frequency of 4.8e-05 in 251442 control chromosomes, predominantly at a frequency of 0.00011 within the Non-Finnish European subpopulation in the gnomAD database. The observed variant frequency within Non-Finnish European control individuals in the gnomAD database is approximately 6-fold of the estimated maximal expected allele frequency for a pathogenic variant in CDK4 causing Cutaneous Malignant Melanoma phenotype (2e-05), strongly suggesting that the variant is a benign polymorphism found primarily in populations of Non-Finnish European origin. c.661G>A has been reported in the literature in individuals with breast cancer and brain metastasis without evidence of causality (Guindalini_2022, Diossy_2018). These reports do not provide unequivocal conclusions about association of the variant with Cutaneous Malignant Melanoma. To our knowledge, no experimental evidence demonstrating an impact on protein function has been reported. Six ClinVar submitters (evaluation after 2014) cite the variant as uncertain significance (n=5) and likely benign (n=1). Based on the evidence outlined above, the variant was classified as likely benign.

CeGaT Center for Human Genetics Tuebingen
Classification: Uncertain significance. Last evaluated: 2022-12-01. Review status: criteria provided, single submitter. Criteria: CeGaT Center For Human Genetics Tuebingen Variant Classification Criteria Version 2. Collection method: clinical testing. Allele origin: germline. Affected: yes. Observed: 1 variant allele.

GeneDx
Classification: Uncertain significance. Last evaluated: 2022-03-16. Review status: criteria provided, single submitter. Criteria: GeneDx Variant Classification Process June 2021. Collection method: clinical testing. Allele origin: germline. Affected: yes.
Comment: In silico analysis supports that this missense variant does not alter protein structure/function; Has not been previously published as pathogenic or benign to our knowledge; This variant is associated with the following publications: (PMID: 24728327, 20668451)

Mendelics
Classification: Uncertain significance for Cutaneous malignant melanoma 3. Last evaluated: 2018-07-02. Review status: criteria provided, single submitter. Criteria: Mendelics Assertion Criteria 2017. Collection method: clinical testing. Allele origin: unknown.

Quest Diagnostics Nichols Institute San Juan Capistrano
Classification: Likely benign. Last evaluated: 2017-07-13. Review status: criteria provided, single submitter. Criteria: Quest Diagnostics criteria. Collection method: clinical testing. Allele origin: germline.

Counsyl
Classification: Uncertain significance for Melanoma, cutaneous malignant, susceptibility to, 3. Last evaluated: 2017-06-27. Review status: no assertion criteria provided. Collection method: clinical testing. Allele origin: unknown. Not counted in ClinVar's aggregate classification.

ITMI
No classification provided. Condition: AllHighlyPenetrant. Last evaluated: 2013-09-19. Review status: no classification provided. Collection method: reference population. Allele origin: germline. Not counted in ClinVar's aggregate classification.
Comment: Please see associated publication for description of ethnicities

Literature cited by the submitters: PubMed 35264596 (cited by Ambry Genetics and Women's Health and Genetics/Laboratory Corporation of America, LabCorp); PubMed 24728327 (cited by 4 submitters); PubMed 20668451 (cited by Women's Health and Genetics/Laboratory Corporation of America, LabCorp); PubMed 29917049 (cited by Women's Health and Genetics/Laboratory Corporation of America, LabCorp).

NM_000075.4(CDK4):c.661G>A (p.Asp221Asn)

Genes: CDK4 (cyclin dependent kinase 4; minus strand), TSPAN31 (tetraspanin 31; plus strand). Cytogenetic location: 12q14.1.
Variant type: single nucleotide variant.
Coding change: c.661G>A on transcript NM_000075.4 (MANE Select); coding-DNA position 661, G replaced by A.
Protein change: p.Asp221Asn; replaces aspartic acid 221 with asparagine.
Molecular consequence: missense variant. On other transcripts: 3 prime UTR variant (3).
Genome position (GRCh38, 1-based): chr12:57,749,476, C>T on the plus strand (G>A on the coding strand, the complement: CDK4 is on the minus strand). VCF-style: chr12-57749476-C-T. GRCh37 (hg19) VCF-style: chr12-58143259-C-T.
Other names: c.*2186C>T (NM_001330168.2, NM_001330169.2, NM_005981.5); short protein forms D221N.
Identifiers: ClinVar variation 133876 (VCV000133876.51), dbSNP rs587778187, ClinGen allele CA158052.
Genomic context (GRCh38, chr12:57,749,476, plus strand): 5'-AGAATAGAAAATCTTTTTCTCCCATGTTGGTCACTTACTCAAAGATTTTGCCCAACTGGT[C>T]GGCTTCAGAGTTTCCACAGAAGAGAGGCCTAAGGTGAGAAGGGATATAAGGTAGCAGTCA-3'
Protein context (NP_000066.1, residues 211-231): KPLFCGNSEA[Asp221Asn]QLGKIFDLIG